The following is an entry in ClinVar:

ClinVar aggregate classification (germline): Uncertain significance (1 of 4 stars; one submission).

Allele frequency attached by ClinVar (database versions not stated): gnomAD exomes below 0.00001.

Submission:

Ambry Genetics
Classification: Uncertain significance. Last evaluated: 2024-11-10. Review status: criteria provided, single submitter. Criteria: Ambry Variant Classification Scheme 2023. Collection method: clinical testing. Allele origin: germline.
Comment: The p.A217T variant (also known as c.649G>A), located in coding exon 1 of the PALLD gene, results from a G to A substitution at nucleotide position 649. The alanine at codon 217 is replaced by threonine, an amino acid with similar properties. This amino acid position is conserved. In addition, this alteration is predicted to be tolerated by in silico analysis. Since supporting evidence is limited at this time, the clinical significance of this alteration remains unclear.

NM_001166108.2(PALLD):c.649G>A (p.Ala217Thr)

Gene: PALLD (palladin, cytoskeletal associated protein; plus strand). Cytogenetic location: 4q32.3.
Variant type: single nucleotide variant.
Coding change: c.649G>A on transcript NM_001166108.2 (MANE Select); coding-DNA position 649, G replaced by A.
Protein change: p.Ala217Thr; replaces alanine 217 with threonine.
Molecular consequence: missense variant.
Genome position (GRCh38, 1-based): chr4:168,512,153, G>A. VCF-style: chr4-168512153-G-A. GRCh37 (hg19) VCF-style: chr4-169433304-G-A.
Other names: c.649G>A, p.Ala217Thr (NM_016081.4); short protein forms A217T.
Identifiers: ClinVar variation 1753875 (VCV001753875.3), dbSNP rs2531434939, ClinGen allele CA358727647.
Genomic context (GRCh38, chr4:168,512,153, plus strand): 5'-TCCTCGTCACCAGACAGTGGGTACCTGTCTCCTAAAAATCAGCCGTCAGCCCTGCTGAGT[G>A]CCTCAGCCAGCCAGAGCCCTATGGAAGACCAAGGGGAGATGGAAAGAGAGGTCAAGTCCC-3'
Protein context (NP_001159580.1, residues 207-227): PKNQPSALLS[Ala217Thr]SASQSPMEDQ